The following is an entry in ClinVar:

ClinVar aggregate classification (germline): Uncertain significance. Review status: criteria provided, multiple submitters, no conflicts (2 of 4 stars). 3 submissions from 3 submitters: Uncertain significance (3). Last evaluated 2025-04-21.

Conditions:
RYR1-related disorder. Also called: RYR1-related disorders; RYR1-related condition. Identifiers: MedGen CN239331.
Malignant hyperthermia, susceptibility to, 1 (MHS1). Also called: Anesthesia related hyperthermia; Malignant hyperpyrexia; Fulminating hyperpyrexia; Pharmacogenic myopathy; Malignant hyperthermia suceptibility 1; RYR1-Related Malignant Hyperthermia Susceptibility. Identifiers: Orphanet 423, MedGen C2930980, MONDO:0007783, OMIM 145600.

Allele frequency attached by ClinVar (database versions not stated): ExAC 0.00002; gnomAD exomes 0.00002.

Submissions (3):

Labcorp Genetics (formerly Invitae), Labcorp
Classification: Uncertain significance for RYR1-related disorder. Last evaluated: 2025-04-21. Review status: criteria provided, single submitter. Criteria: Invitae Variant Classification Sherloc (09022015). Collection method: clinical testing. Allele origin: germline.
Comment: This sequence change replaces serine, which is neutral and polar, with phenylalanine, which is neutral and non-polar, at codon 3356 of the RYR1 protein (p.Ser3356Phe). This variant is present in population databases (rs771705965, gnomAD 0.009%). This variant has not been reported in the literature in individuals affected with RYR1-related conditions. ClinVar contains an entry for this variant (Variation ID: 846873). Invitae Evidence Modeling of protein sequence and biophysical properties (such as structural, functional, and spatial information, amino acid conservation, physicochemical variation, residue mobility, and thermodynamic stability) indicates that this missense variant is not expected to disrupt RYR1 protein function with a negative predictive value of 80%. In summary, the available evidence is currently insufficient to determine the role of this variant in disease. Therefore, it has been classified as a Variant of Uncertain Significance.

Color Diagnostics, LLC DBA Color Health
Classification: Uncertain significance for Malignant hyperthermia, susceptibility to, 1. Last evaluated: 2024-04-01. Review status: criteria provided, single submitter. Criteria: ACMG Guidelines, 2015. Collection method: clinical testing. Allele origin: germline.
Comment: This missense variant replaces serine with phenylalanine at codon 3356 of the RYR1 protein. Computational prediction is inconclusive regarding the impact of this variant on protein structure and function (internally defined REVEL score threshold 0.5 < inconclusive < 0.7, PMID: 27666373). To our knowledge, functional studies have not been reported for this variant. This variant has not been reported in individuals affected with RYR1-related disorders in the literature. This variant has been identified in 4/251172 chromosomes in the general population by the Genome Aggregation Database (gnomAD). The available evidence is insufficient to determine the role of this variant in disease conclusively. Therefore, this variant is classified as a Variant of Uncertain Significance.

All of Us Research Program, National Institutes of Health
Classification: Uncertain significance for Malignant hyperthermia, susceptibility to, 1. Last evaluated: 2024-01-11. Review status: criteria provided, single submitter. Criteria: ACMG Guidelines, 2015. Collection method: clinical testing. Allele origin: germline. Inheritance: Autosomal dominant inheritance. Observed: 3 variant alleles, 3 heterozygotes.
Comment: This study involves interpretation of variants in research participants for the purpose of population health screening. Participant phenotype was not available at the time of variant classification. Additional details can be found in publication PMID: 35346344, PMCID: PMC8962531

NM_000540.3(RYR1):c.10067C>T (p.Ser3356Phe)

Gene: RYR1 (ryanodine receptor 1; plus strand). Cytogenetic location: 19q13.2.
Variant type: single nucleotide variant.
Coding change: c.10067C>T on transcript NM_000540.3 (MANE Select); coding-DNA position 10067, C replaced by T.
Protein change: p.Ser3356Phe; replaces serine 3356 with phenylalanine.
Molecular consequence: missense variant.
Genome position (GRCh38, 1-based): chr19:38,519,262, C>T. VCF-style: chr19-38519262-C-T. GRCh37 (hg19) VCF-style: chr19-39009902-C-T.
Other names: c.10067C>T, p.Ser3356Phe (NM_001042723.2); short protein forms S3356F.
Identifiers: ClinVar variation 846873 (VCV000846873.7), dbSNP rs771705965, ClinGen allele CA052301.